The following is an entry in ClinVar:

ClinVar aggregate classification (germline): Uncertain significance. Review status: criteria provided, multiple submitters, no conflicts (2 of 4 stars). 2 submissions from 2 submitters: Uncertain significance (2). Last evaluated 2022-07-26.

Conditions:
Primary ciliary dyskinesia. Also called: Ciliary dyskinesia. Identifiers: Orphanet 244, MedGen C0008780, MONDO:0016575, HP:0012265.

gnomAD v4.1: 7 of 1,613,848 alleles (0.00043%); highest among the groups gnomAD compares: Admixed American, 0.005%; no homozygotes.

Submissions (2):

Labcorp Genetics (formerly Invitae), Labcorp
Classification: Uncertain significance for Primary ciliary dyskinesia. Last evaluated: 2022-07-26. Review status: criteria provided, single submitter. Criteria: Invitae Variant Classification Sherloc (09022015). Collection method: clinical testing. Allele origin: germline.
Comment: This sequence change replaces alanine, which is neutral and non-polar, with serine, which is neutral and polar, at codon 788 of the DNAH8 protein (p.Ala788Ser). This variant is present in population databases (rs756762480, gnomAD 0.003%). This variant has not been reported in the literature in individuals affected with DNAH8-related conditions. Algorithms developed to predict the effect of missense changes on protein structure and function are either unavailable or do not agree on the potential impact of this missense change (SIFT: "Deleterious"; PolyPhen-2: "Not Available"; Align-GVGD: "Class C0"). In summary, the available evidence is currently insufficient to determine the role of this variant in disease. Therefore, it has been classified as a Variant of Uncertain Significance.

Ambry Genetics
Classification: Uncertain significance. Last evaluated: 2021-06-21. Review status: criteria provided, single submitter. Criteria: Ambry Variant Classification Scheme 2023. Collection method: clinical testing. Allele origin: germline.

NM_001206927.2(DNAH8):c.2362G>T (p.Ala788Ser)

Gene: DNAH8 (dynein axonemal heavy chain 8; plus strand). Cytogenetic location: 6p21.2.
Variant type: single nucleotide variant.
Coding change: c.2362G>T on transcript NM_001206927.2 (MANE Select); coding-DNA position 2362, G replaced by T.
Protein change: p.Ala788Ser; replaces alanine 788 with serine.
Molecular consequence: missense variant.
Genome position (GRCh38, 1-based): chr6:38,783,106, G>T. VCF-style: chr6-38783106-G-T. GRCh37 (hg19) VCF-style: chr6-38750882-G-T.
Other names: c.2362G>T (NM_001206927.1); c.1711G>T, p.Ala571Ser (NM_001371.4); short protein forms A571S, A788S.
Identifiers: ClinVar variation 2200666 (VCV002200666.2), dbSNP rs756762480, ClinGen allele CA137577118.